The following is an entry in ClinVar:

ClinVar aggregate classification (germline): Benign/Likely benign. Review status: criteria provided, multiple submitters, no conflicts (2 of 4 stars). 7 submissions from 7 submitters: Benign (3); Likely benign (3). 1 of the submissions does not count toward it. Last evaluated 2026-02-01.

Conditions:
TGM6-related disorder. Also called: TGM6-related condition.
Spinocerebellar ataxia type 35. Identifiers: Orphanet 276193, MedGen C3888031, MONDO:0013485, OMIM 613908.

Allele frequency attached by ClinVar (database versions not stated): 1000 Genomes Project 0.00060; 1000 Genomes Project 30x 0.00062; TOPMed 0.00117; ESP Exome Variant Server 0.00123; gnomAD 0.00149.
gnomAD v4.1: 2,280 of 1,613,062 alleles (0.14%); highest among the groups gnomAD compares: Non-Finnish European, 0.17%; 10 homozygotes.

Submissions (7):

Labcorp Genetics (formerly Invitae), Labcorp
Classification: Likely benign. Last evaluated: 2026-02-01. Review status: criteria provided, single submitter. Criteria: Invitae Variant Classification Sherloc (09022015). Collection method: clinical testing. Allele origin: germline.

CeGaT Center for Human Genetics Tuebingen
Classification: Likely benign. Last evaluated: 2025-11-01. Review status: criteria provided, single submitter. Criteria: CeGaT Center For Human Genetics Tuebingen Variant Classification Criteria Version 2. Collection method: clinical testing. Allele origin: germline. Affected: yes. Observed: 8 variant alleles.
Comment: TGM6: BS1

Athena Diagnostics
Classification: Benign. Last evaluated: 2025-06-25. Review status: criteria provided, single submitter. Criteria: Athena Diagnostics Criteria. Collection method: clinical testing. Allele origin: unknown.
Comment: The frequency of this variant in the general population is higher than would generally be expected for pathogenic variants in this gene.

Blueprint Genetics
Classification: Likely benign. Last evaluated: 2024-11-28. Review status: criteria provided, single submitter. Criteria: ACMG Guidelines, 2015. Collection method: clinical testing. Allele origin: germline.

Mayo Clinic Laboratories, Mayo Clinic
Classification: Benign. Last evaluated: 2024-02-21. Review status: criteria provided, single submitter. Criteria: ACMG Guidelines, 2015. Collection method: clinical testing. Allele origin: germline. Observed: 3 variant alleles.
Comment: BS1, BS2

Illumina Laboratory Services, Illumina
Classification: Benign for Spinocerebellar ataxia type 35. Last evaluated: 2018-01-12. Review status: criteria provided, single submitter. Criteria: ICSL Variant Classification Criteria 13 December 2019. Collection method: clinical testing. Allele origin: germline.
Comment: This variant was observed in the ICSL laboratory as part of a predisposition screen in an ostensibly healthy population. It had not been previously curated by ICSL or reported in the Human Gene Mutation Database (HGMD: prior to June 1st, 2018), and was therefore a candidate for classification through an automated scoring system. Utilizing variant allele frequency, disease prevalence and penetrance estimates, and inheritance mode, an automated score was calculated to assess if this variant is too frequent to cause the disease. Based on the score and internal cut-off values, a variant classified as benign is not then subjected to further curation. The score for this variant resulted in a classification of benign for this disease.

PreventionGenetics, part of Exact Sciences
Classification: Likely benign for TGM6-related condition. Last evaluated: 2020-06-11. Review status: no assertion criteria provided. Collection method: clinical testing. Allele origin: germline. Not counted in ClinVar's aggregate classification.
Comment: This variant is classified as likely benign based on ACMG/AMP sequence variant interpretation guidelines (Richards et al. 2015 PMID: 25741868, with internal and published modifications).

Literature cited by the submitters: PubMed 33378849 (cited by Athena Diagnostics and Mayo Clinic Laboratories, Mayo Clinic); PubMed 22287014 (cited by Athena Diagnostics and Mayo Clinic Laboratories, Mayo Clinic); PubMed 22162184 (cited by Athena Diagnostics).

NM_198994.3(TGM6):c.1523G>A (p.Gly508Asp)

Gene: TGM6 (transglutaminase 6; plus strand). Cytogenetic location: 20p13.
Variant type: single nucleotide variant.
Coding change: c.1523G>A on transcript NM_198994.3 (MANE Select); coding-DNA position 1523, G replaced by A.
Protein change: p.Gly508Asp; replaces glycine 508 with aspartic acid.
Molecular consequence: missense variant.
Genome position (GRCh38, 1-based): chr20:2,417,418, G>A. VCF-style: chr20-2417418-G-A. GRCh37 (hg19) VCF-style: chr20-2398064-G-A.
Other names: p.Gly508Asp; c.1523G>A, p.Gly508Asp (NM_001254734.2); short protein forms G508D.
Identifiers: ClinVar variation 337930 (VCV000337930.37), dbSNP rs140719871, ClinGen allele CA9732121.